The following is an entry in ClinVar:

ClinVar aggregate classification (germline): Pathogenic. Review status: criteria provided, multiple submitters, no conflicts (2 of 4 stars). 15 submissions from 15 submitters: Pathogenic (14). 1 of the submissions does not count toward it. Last evaluated 2025-08-20.

Conditions:
Hereditary cancer-predisposing syndrome. Also called: Neoplastic Syndromes, Hereditary; Tumor predisposition; Hereditary neoplastic syndrome; Hereditary Cancer Syndrome. Identifiers: Orphanet 140162, MedGen C0027672, MeSH D009386, MONDO:0015356.
Multiple endocrine neoplasia type 2A. Also called: MULTIPLE ENDOCRINE NEOPLASIA, TYPE IIA; PTC SYNDROME; SIPPLE SYNDROME; MEN 2A; MEN-2A syndrome; Pheochromocytoma and amyloid producing medullary thyroid carcinoma. Identifiers: Orphanet 247698, Orphanet 653, MedGen C0025268, MeSH D018813, MONDO:0008234, OMIM 171400.
Pheochromocytoma. Also called: MAX-Related Hereditary Paraganglioma-Pheochromocytoma Syndrome. Identifiers: Orphanet 29072, MedGen C0031511, MONDO:0008233, OMIM 171300, HP:0002666.
Familial medullary thyroid carcinoma (MTC). Also called: Thyroid cancer, familial medullary; MTC, familial; Familial Medullary Thyroid Carcinoma (FMTC). Identifiers: Orphanet 653, Orphanet 99361, MedGen C1833921, MONDO:0007958, OMIM 155240.
Multiple endocrine neoplasia type 2B. Also called: MEN 2B; Multiple endocrine neoplasia, type 3; MULTIPLE ENDOCRINE NEOPLASIA, TYPE IIB; MUCOSAL NEUROMA SYNDROME; NEUROMATA, MUCOSAL, WITH ENDOCRINE TUMORS; WAGENMANN-FROBOESE SYNDROME. Identifiers: Orphanet 247709, Orphanet 653, MedGen C0025269, MeSH D018814, MONDO:0008082, OMIM 162300.
Hirschsprung disease, susceptibility to, 1 (HSCR1). Also called: RET-Related Hirschsprung Disease. Identifiers: Orphanet 388, MedGen C3888239, MONDO:0007723, OMIM 142623.
Congenital central hypoventilation. Also called: Congenital Central Hypoventilation Syndrome. Identifiers: Orphanet 661, Orphanet 99803, MedGen C1275808, MONDO:0800031. Disease mechanism: gain of function.
Multiple endocrine neoplasia, type 2 (MEN2). Identifiers: Orphanet 653, MedGen C4048306, MONDO:0019003. Disease mechanism: gain of function.

Allele frequency attached by ClinVar (database versions not stated): gnomAD exomes below 0.00001.
gnomAD v4.1: 1 of 1,613,354 alleles (0.000062%); highest among the groups gnomAD compares: Non-Finnish European, 0.000085%; no homozygotes.

Submissions 1 to 7 of 15:

Color Diagnostics, LLC DBA Color Health
Classification: Pathogenic for Multiple endocrine neoplasia, type 2. Last evaluated: 2025-08-20. Review status: criteria provided, single submitter. Criteria: ACMG Guidelines, 2015. Collection method: clinical testing. Allele origin: germline.
Comment: This missense variant replaces cysteine with glycine at codon 618 of the RET protein. Computational prediction suggests that this variant may have deleterious impact on protein structure and function. This variant has been reported in more than 10 individuals affected with MEN2 and FMTC (PMID: 8099202, 8626834, 9868860, 16325365, 11238493, 18058472, 18063059, 20516206, 20979234), and the variant was found to segregate with disease in a large pedigree (PMID: 9868860). Missense substitutions at this residue, p.Cys618, are commonly found in MEN2A and sporadic medullary thryoid carcinoma (PMID: 33603219) and have been reported as disease-causing in ClinVar (variation ID: 13929, 24901, 24902, 38601). This variant has not been identified in the general population by the Genome Aggregation Database (gnomAD). Based on the available evidence, this variant is classified as Pathogenic.

Labcorp Genetics (formerly Invitae), Labcorp
Classification: Pathogenic for Multiple endocrine neoplasia, type 2. Last evaluated: 2024-11-30. Review status: criteria provided, single submitter. Criteria: Invitae Variant Classification Sherloc (09022015). Collection method: clinical testing. Allele origin: germline.
Comment: This sequence change replaces cysteine, which is neutral and slightly polar, with glycine, which is neutral and non-polar, at codon 618 of the RET protein (p.Cys618Gly). This variant is not present in population databases (gnomAD no frequency). This missense change has been observed in individual(s) with medullary thyroid cancer and pheochromocytoma and Hirschsprung’s disease (PMID: 8099202, 8626834, 18058472, 18062802, 18063059, 20041006, 20516206). It has also been observed to segregate with disease in related individuals. This variant is also known as p.Cys364Gly in some of the older literature. ClinVar contains an entry for this variant (Variation ID: 13905). An algorithm developed to predict the effect of missense changes on protein structure and function (PolyPhen-2) suggests that this variant is likely to be disruptive. Experimental studies have shown that this missense change affects RET function (PMID: 7824936, 9174404, 9230192, 9879991). This variant disrupts the p.Cys618 amino acid residue in RET. Other variant(s) that disrupt this residue have been determined to be pathogenic (PMID: 7835899, 7915165, 9498388, 9839497, 15858153, 20979234). This suggests that this residue is clinically significant, and that variants that disrupt this residue are likely to be disease-causing. For these reasons, this variant has been classified as Pathogenic.

Genomic Medicine Center of Excellence, King Faisal Specialist Hospital and Research Centre
Classification: Pathogenic for Hirschsprung disease, susceptibility to, 1. Last evaluated: 2024-09-22. Review status: criteria provided, single submitter. Criteria: ACMG Guidelines, 2015. Collection method: clinical testing. Allele origin: germline.

GeneDx
Classification: Pathogenic. Last evaluated: 2023-10-30. Review status: criteria provided, single submitter. Criteria: GeneDx Variant Classification Process June 2021. Collection method: clinical testing. Allele origin: germline. Affected: yes.
Comment: Reported in at least one patient with MEN2A and Hirschsprung's disease (PMID: 20041006); Published functional studies demonstrate significantly reduced cell surface expression of RET (PMID: 9230192); In silico analysis supports that this missense variant has a deleterious effect on protein structure/function; Not observed at significant frequency in large population cohorts (gnomAD); This variant is associated with the following publications: (PMID: 9067749, 31043326, 32125936, 31364476, 33603219, 30050099, 20979234, 12686527, 8626834, 9146685, 11238493, 16411177, 7835899, 8099202, 7907913, 9868860, 3078962, 18063059, 18058472, 12721726, 21422799, 27349013, 20516206, 18062802, 29396759, 16325365, 29656518, 14633923, 33827484, 24064755, 20301434, 9230192, 20041006)

Myriad Genetics, Inc.
Classification: Pathogenic for Multiple endocrine neoplasia type 2A. Last evaluated: 2023-05-10. Review status: criteria provided, single submitter. Criteria: Myriad Autosomal Dominant, Autosomal Recessive and X-Linked Classification Criteria (2023). Collection method: clinical testing. Allele origin: unknown.
Comment: This variant is considered pathogenic. This variant has been reported in multiple individuals with clinical features of gene-specific disease [PMID: 29656518, 20979234, 33827484, 18063059, 18058472, 24064755, 25810047]. Functional studies indicate this variant impacts protein function [PMID: 9230192].

Ambry Genetics
Classification: Pathogenic for Hereditary cancer-predisposing syndrome. Last evaluated: 2022-11-09. Review status: criteria provided, single submitter. Criteria: Ambry Variant Classification Scheme 2023. Collection method: clinical testing. Allele origin: germline.
Comment: The p.C618G pathogenic mutation (also known as c.1852T>G), located in coding exon 10 of the RET gene, results from a T to G substitution at nucleotide position 1852. The cysteine at codon 618 is replaced by glycine, an amino acid with highly dissimilar properties. This mutation is located in the RET extracellular domain and has been associated with both MEN2A and FMTC phenotypes (Mulligan LM et al. Nature. 1993;363(6428): 458-60; Paszko Z et al. Cancer Invest. 2007;25(8):742-49; Machens A & Dralle H. Clin. Endocrinol. (Oxf) 2008 Jul;69(1):81-7; Frank-Raue K et al. Hum Mutat. 2011;32(1):51-58). Of note, this mutation is also designated as p.C364G in published literature. Several other alterations at this codon, including p.C618R, p.C618S, and p.C618F, have also been described as pathogenic. The American Thyroid Association Guidelines Task Force has provided recommendations for individuals with RET gene mutations (Wells SA et al. Thyroid. 2015 Jun; 25(6):567-610). Based on the available evidence, this alteration is classified as a pathogenic mutation.

Women's Health and Genetics/Laboratory Corporation of America, LabCorp
Classification: Pathogenic for Multiple endocrine neoplasia type 2A. Last evaluated: 2022-04-06. Review status: criteria provided, single submitter. Criteria: LabCorp Variant Classification Summary - May 2015. Collection method: clinical testing. Allele origin: germline.
Comment: Variant summary: RET c.1852T>G (p.Cys618Gly) results in a non-conservative amino acid change in the encoded protein sequence. Five of five in-silico tools predict a damaging effect of the variant on protein function. The variant was absent in 249114 control chromosomes. c.1852T>G has been widely reported in the literature in multiple individuals and families affected with Familial Medullary Carcinoma od the Thyroid (FMTC) and features of Multiple Endocrine Neoplasia Type 2A (MEN2A) (example, Frank-Raue_1996, Machens_2001, Okeefe_1998, Mulligan_1993). These data indicate that the variant is very likely to be associated with disease. At least one publication reports experimental evidence evaluating an impact on protein function demonstrating an increased ability to transform NIH-3T3 cells in-vitro (example, Ito_1997). Multiple clinical diagnostic laboratories have submitted clinical-significance assessments for this variant to ClinVar after 2014 without evidence for independent evaluation. All submitters classified the variant as pathogenic. Based on the evidence outlined above, the variant was classified as pathogenic.

NM_020975.6(RET):c.1852T>G (p.Cys618Gly)

Gene: RET (ret proto-oncogene; plus strand). Cytogenetic location: 10q11.21.
Variant type: single nucleotide variant.
Coding change: c.1852T>G on transcript NM_020975.6 (MANE Select); coding-DNA position 1852, T replaced by G.
Protein change: p.Cys618Gly; replaces cysteine 618 with glycine.
Molecular consequence: missense variant.
Genome position (GRCh38, 1-based): chr10:43,113,648, T>G. VCF-style: chr10-43113648-T-G. GRCh37 (hg19) VCF-style: chr10-43609096-T-G.
Other names: c.955T>G, p.Cys319Gly (NM_001406781.1, NM_001406782.1, NM_001406787.1 and 2 more transcripts); c.826T>G, p.Cys276Gly (NM_001406783.1, NM_001406786.1); c.862T>G, p.Cys288Gly (NM_001406784.1); c.667T>G, p.Cys223Gly (NM_001406788.1, NM_001406789.1, NM_001406790.1); c.403T>G, p.Cys135Gly (NM_001406792.1, NM_001406793.1, NM_001406794.1); c.1852T>G, p.Cys618Gly (NM_000323.2, NM_001406743.1, NM_001406744.1 and 6 more transcripts); c.1090T>G, p.Cys364Gly (NM_001355216.2); c.1723T>G, p.Cys575Gly (NM_001406761.1, NM_001406762.1, NM_001406764.1 and 1 more transcripts); and 5 more; short protein forms C618G, C364G, C288G, C472G, C135G, C575G, C276G, C319G.
Identifiers: ClinVar variation 13905 (VCV000013905.93), dbSNP rs76262710, ClinGen allele CA007995.